The following is an entry in ClinVar:

NM_053025.4(MYLK):c.3096_3131del (p.1032_1043AETLKPMGNAKP[1])

Gene: MYLK (myosin light chain kinase; minus strand). Cytogenetic location: 3q21.1.
Variant type: Deletion.
Coding change: c.3096_3131del on transcript NM_053025.4 (MANE Select); coding-DNA positions 3096 to 3131, 36 bases deleted.
Protein change: p.1032_1043AETLKPMGNAKP[1].
Molecular consequence: inframe deletion.
Genome position (GRCh38, 1-based): chr3:123,700,337-123,700,372, 36 bases deleted; deleting any 36 consecutive bases within chr3:123,700,337-123,700,391 gives the same sequence; the c. name uses the placement nearest the transcript's 3' end. GRCh37 (hg19): chr3:123,419,203-123,419,238.
Other names: c.3096_3131del36 (NM_053025.3); c.2568_2603del, p.856_867AETLKPMGNAKP[1] (NM_001321309.2); c.2889_2924del, p.963_974AETLKPMGNAKP[1] (NM_053026.4, NM_053028.4); c.3096_3131del, p.1032_1043AETLKPMGNAKP[1] (NM_053027.4); c.3096_3131delTGAGACCCTGAAGCCAATGGGCAACGCCAAGCCTGC (NM_053025.3).
Identifiers: ClinVar variation 471716 (VCV000471716.23), dbSNP rs758966808, ClinGen allele CA2577964.

ClinVar aggregate classification (germline): Uncertain significance. Review status: criteria provided, multiple submitters, no conflicts (2 of 4 stars). 5 submissions from 5 submitters: Uncertain significance (4). 1 of the submissions does not count toward it. Last evaluated 2025-11-09.

Conditions:
MYLK-related disorder. Also called: MYLK-related condition.
Aortic aneurysm, familial thoracic 7 (AAT7). Also called: AORTIC DISSECTION, FAMILIAL, WITH OR WITHOUT AORTIC ANEURYSM. Identifiers: MedGen C3151077, MONDO:0013418, OMIM 613780.
Megacystis-microcolon-intestinal hypoperistalsis syndrome 1. Identifiers: MedGen C5542316, MONDO:0100354, OMIM 249210.
Familial thoracic aortic aneurysm and aortic dissection (TAAD). Also called: Thoracic aortic aneurysms and dissections. Identifiers: Orphanet 91387, MedGen C4707243, MONDO:0019625.

Submissions (5):

Labcorp Genetics (formerly Invitae), Labcorp
Classification: Uncertain significance for Aortic aneurysm, familial thoracic 7. Last evaluated: 2025-11-09. Review status: criteria provided, single submitter. Criteria: Invitae Variant Classification Sherloc (09022015). Collection method: clinical testing. Allele origin: germline.
Comment: This variant, c.3096_3131del, results in the deletion of 12 amino acid(s) of the MYLK protein (p.Ala1044_Pro1055del), but otherwise preserves the integrity of the reading frame. This variant is present in population databases (rs758966808, gnomAD 0.06%). This variant has not been reported in the literature in individuals affected with MYLK-related conditions. ClinVar contains an entry for this variant (Variation ID: 471716). Experimental studies and prediction algorithms are not available or were not evaluated, and the functional significance of this variant is currently unknown. In summary, the available evidence is currently insufficient to determine the role of this variant in disease. Therefore, it has been classified as a Variant of Uncertain Significance.

GeneDx
Classification: Uncertain significance. Last evaluated: 2025-09-30. Review status: criteria provided, single submitter. Criteria: GeneDx Variant Classification Process June 2021. Collection method: clinical testing. Allele origin: germline. Affected: yes.
Comment: Has not been previously published as pathogenic or benign to our knowledge; In-frame deletion of 12 amino acids in a non-repeat region; In silico analysis supports a deleterious effect on protein structure/function

Ambry Genetics
Classification: Uncertain significance for Familial thoracic aortic aneurysm and aortic dissection. Last evaluated: 2025-05-21. Review status: criteria provided, single submitter. Criteria: Ambry Variant Classification Scheme 2023. Collection method: clinical testing. Allele origin: germline.
Comment: The c.3096_3131del36 variant (also known as p.A1044_P1055del) is located in coding exon 15 of the MYLK gene. This variant results from an in-frame TGAGACCCTGAAGCCAATGGGCAACGCCAAGCCTGC deletion at nucleotide positions 3096 to 3131. This results in the in-frame deletion of the amino acids at codons 1044 to 1055. Based on data from gnomAD, the in-frame deletion has an overall frequency of approximately 0.011% (32/282778). This amino acid region is not well conserved in available vertebrate species. In addition, this variant is predicted to be deleterious by in silico analysis (Choi Y et al. PLoS ONE. 2012; 7(10):e46688). Based on the available evidence, the clinical significance of this variant remains unclear.

Fulgent Genetics
Classification: Uncertain significance for Megacystis-microcolon-intestinal hypoperistalsis syndrome 1; Aortic aneurysm, familial thoracic 7. Last evaluated: 2021-08-16. Review status: criteria provided, single submitter. Criteria: ACMG Guidelines, 2015. Collection method: clinical testing. Allele origin: unknown.

PreventionGenetics, part of Exact Sciences
Classification: Uncertain significance for MYLK-related condition. Last evaluated: 2023-12-27. Review status: no assertion criteria provided. Collection method: clinical testing. Allele origin: germline. Not counted in ClinVar's aggregate classification.
Comment: The MYLK c.3096_3131del36 variant is predicted to result in an in-frame deletion (p.Ala1044_Pro1055del). To our knowledge, this variant has not been reported in the literature. This variant is reported in 0.060% of alleles in individuals of African descent in gnomAD. At this time, the clinical significance of this variant is uncertain due to the absence of conclusive functional and genetic evidence.